The following is an entry in ClinVar:

ClinVar aggregate classification (germline): Pathogenic. Review status: criteria provided, multiple submitters, no conflicts (2 of 4 stars). 6 submissions from 6 submitters: Pathogenic (6). Last evaluated 2025-10-03.

Conditions:
Wilson disease (WND). Also called: Wilson's disease. Identifiers: Orphanet 905, MedGen C0019202, MONDO:0010200, OMIM 277900. Disease mechanism: loss of function.

Submissions (6):

Myriad Genetics, Inc.
Classification: Pathogenic for Wilson disease. Last evaluated: 2025-10-03. Review status: criteria provided, single submitter. Criteria: Myriad Autosomal Dominant, Autosomal Recessive and X-Linked Classification Criteria (2023). Collection method: clinical testing. Allele origin: unknown.
Comment: NM_000053.3(ATP7B):c.2149C>T(Q717*) is a nonsense variant classified as pathogenic in the context of Wilson disease. Q717* has been observed in cases with relevant disease (PMID: 22093921, 23518715, 21645214). Relevant functional assessments of this variant are not available in the literature. Q717* has not been observed in referenced population frequency databases. In summary, NM_000053.3(ATP7B):c.2149C>T(Q717*) is a nonsense variant in a gene where loss of function is a known mechanism of disease, is predicted to disrupt protein function, and has been observed more frequently in cases with the relevant disease than in healthy populations. Please note: this variant was assessed in the context of healthy population screening.

Baylor Genetics
Classification: Pathogenic for Wilson disease. Last evaluated: 2023-10-09. Review status: criteria provided, single submitter. Criteria: ACMG Guidelines, 2015. Collection method: clinical testing. Allele origin: unknown.

Labcorp Genetics (formerly Invitae), Labcorp
Classification: Pathogenic for Wilson disease. Last evaluated: 2023-02-21. Review status: criteria provided, single submitter. Criteria: Invitae Variant Classification Sherloc (09022015). Collection method: clinical testing. Allele origin: germline.
Comment: This sequence change creates a premature translational stop signal (p.Gln717*) in the ATP7B gene. It is expected to result in an absent or disrupted protein product. Loss-of-function variants in ATP7B are known to be pathogenic (PMID: 10441329, 16283883). For these reasons, this variant has been classified as Pathogenic. ClinVar contains an entry for this variant (Variation ID: 225299). This premature translational stop signal has been observed in individual(s) with Wilson disease (PMID: 21645214, 23518715). This variant is not present in population databases (gnomAD no frequency).

Genome-Nilou Lab
Classification: Pathogenic for Wilson disease. Last evaluated: 2021-08-10. Review status: criteria provided, single submitter. Criteria: ACMG Guidelines, 2015. Collection method: clinical testing. Allele origin: germline. Affected: no.

Women's Health and Genetics/Laboratory Corporation of America, LabCorp
Classification: Pathogenic for Wilson disease. Last evaluated: 2018-02-15. Review status: criteria provided, single submitter. Criteria: LabCorp Variant Classification Summary - May 2015. Collection method: clinical testing. Allele origin: germline.
Comment: Variant summary: ATP7B c.2149C>T (p.Gln717X) results in a premature termination codon, predicted to cause a truncation of the encoded protein or absence of the protein due to nonsense mediated decay, which are commonly known mechanisms for disease. Truncations downstream of this position have been classified as pathogenic by our laboratory (eg. c.2165dupT (p.Arg723fsX32), c.2304dupC (p.Met769fsX26), and c.2336G>A (p.Trp779X)). The variant was absent in 120726 control chromosomes (ExAC). The variant, c.2149C>T, has been reported in the literature in individuals affected with Wilson Disease, whom are compound heterozygote and homozygote for the variant. These data indicate that the variant may be associated with disease. One ClinVar submission (assessment performed after 2014) classifies the variant as "pathogenic." Based on the evidence outlined above, the variant was classified as pathogenic.

Soonchunhyang University Bucheon Hospital, Soonchunhyang University Medical Center
Classification: Pathogenic for Wilson disease. Last evaluated: 2016-03-18. Review status: criteria provided, single submitter. Criteria: ACMG Guidelines, 2015. Collection method: reference population. Allele origin: germline. Observed: 1 variant allele.

Literature cited by the submitters: PubMed 21645214 (cited by 3 submitters); PubMed 22093921 (cited by Myriad Genetics, Inc. and Women's Health and Genetics/Laboratory Corporation of America, LabCorp); PubMed 23518715 (cited by 3 submitters); PubMed 10441329 (cited by Labcorp Genetics (formerly Invitae), Labcorp); PubMed 16283883 (cited by Labcorp Genetics (formerly Invitae), Labcorp).

NM_000053.4(ATP7B):c.2149C>T (p.Gln717Ter)

Gene: ATP7B (ATPase copper transporting beta; minus strand). Cytogenetic location: 13q14.3.
Variant type: single nucleotide variant.
Coding change: c.2149C>T on transcript NM_000053.4 (MANE Select); coding-DNA position 2149, C replaced by T.
Protein change: p.Gln717Ter; replaces glutamine 717 with a stop codon.
Molecular consequence: nonsense. On other transcripts: intron variant (2).
Genome position (GRCh38, 1-based): chr13:51,958,517, G>A on the plus strand (C>T on the coding strand, the complement: ATP7B is on the minus strand). VCF-style: chr13-51958517-G-A. GRCh37 (hg19) VCF-style: chr13-52532653-G-A.
Other names: c.1816C>T, p.Gln606Ter (NM_001243182.2); c.1897C>T, p.Gln633Ter (NM_001330579.2); c.1870-910C>T (NM_001005918.3); c.2122-910C>T (NM_001330578.2); short protein forms Q717*, Q606*, Q633*.
Identifiers: ClinVar variation 225299 (VCV000225299.11), dbSNP rs1085307057, ClinGen allele CA388023272.